The following is an entry in ClinVar:

ClinVar aggregate classification (germline): Uncertain significance (1 of 4 stars; one submission).

Conditions:
Gastrointestinal stromal tumor. Also called: Gastrointestinal stromal tumor, somatic; Gastrointestinal stroma tumor. Identifiers: Orphanet 44890, MedGen C0238198, MeSH D046152, MONDO:0011719, OMIM 606764, HP:0100723.

Submission:

Labcorp Genetics (formerly Invitae), Labcorp
Classification: Uncertain significance for Gastrointestinal stromal tumor. Last evaluated: 2025-06-26. Review status: criteria provided, single submitter. Criteria: Invitae Variant Classification Sherloc (09022015). Collection method: clinical testing. Allele origin: germline.
Comment: This sequence change replaces methionine, which is neutral and non-polar, with isoleucine, which is neutral and non-polar, at codon 535 of the KIT protein (p.Met535Ile). This variant is not present in population databases (gnomAD no frequency). This variant has not been reported in the literature in individuals affected with KIT-related conditions. An algorithm developed to predict the effect of missense changes on protein structure and function outputs the following: PolyPhen-2: "Benign". The isoleucine amino acid residue is found in multiple mammalian species, which suggests that this missense change does not adversely affect protein function. In summary, the available evidence is currently insufficient to determine the role of this variant in disease. Therefore, it has been classified as a Variant of Uncertain Significance.

NM_000222.3(KIT):c.1605G>C (p.Met535Ile)

Gene: KIT (KIT proto-oncogene, receptor tyrosine kinase; plus strand). Cytogenetic location: 4q12.
Variant type: single nucleotide variant.
Coding change: c.1605G>C on transcript NM_000222.3 (MANE Select); coding-DNA position 1605, G replaced by C.
Protein change: p.Met535Ile; replaces methionine 535 with isoleucine.
Molecular consequence: missense variant.
Genome position (GRCh38, 1-based): chr4:54,727,282, G>C. VCF-style: chr4-54727282-G-C. GRCh37 (hg19) VCF-style: chr4-55593448-G-C.
Other names: c.1593G>C, p.Met531Ile (NM_001385286.1, NM_001093772.2); c.1596G>C, p.Met532Ile (NM_001385288.1, NM_001385292.1); c.1608G>C, p.Met536Ile (NM_001385290.1, NM_001385284.1); c.1605G>C, p.Met535Ile (NM_001385285.1); short protein forms M532I, M535I, M536I, M531I.
Identifiers: ClinVar variation 4721821 (VCV004721821.1).
Genomic context (GRCh38, chr4:54,727,282, plus strand): 5'-AATCCATCCCCACACCCTGTTCACTCCTTTGCTGATTGGTTTCGTAATCGTAGCTGGCAT[G>C]ATGTGCATTATTGTGATGATTCTGACCTACAAATATTTACAGGTAACCATTTATTTGTTC-3'
Protein context (NP_000213.1, residues 525-545): LLIGFVIVAG[Met535Ile]MCIIVMILTY